The following is an entry in ClinVar:

ClinVar aggregate classification (germline): Pathogenic (1 of 4 stars; one submission).

Conditions:
Hereditary cancer-predisposing syndrome. Also called: Hereditary Cancer Syndrome; Tumor predisposition; Hereditary neoplastic syndrome; Neoplastic Syndromes, Hereditary. Identifiers: Orphanet 140162, MedGen C0027672, MeSH D009386, MONDO:0015356.

Submission:

Ambry Genetics
Classification: Pathogenic for Hereditary cancer-predisposing syndrome. Last evaluated: 2024-06-21. Review status: criteria provided, single submitter. Criteria: Ambry Variant Classification Scheme 2023. Collection method: clinical testing. Allele origin: germline.
Comment: The c.1966_1967delAA pathogenic mutation, located in coding exon 15 of the BAP1 gene, results from a deletion of two nucleotides at nucleotide positions 1966 to 1967, causing a translational frameshift with a predicted alternate stop codon (p.K656Efs*7). This variant is considered to be rare based on population cohorts in the Genome Aggregation Database (gnomAD). This alteration is expected to result in loss of function by premature protein truncation or nonsense-mediated mRNA decay. As such, this alteration is interpreted as a disease-causing mutation.

NM_004656.4(BAP1):c.1966_1967del (p.Lys656fs)

Gene: BAP1 (BRCA1 associated deubiquitinase 1; minus strand). Cytogenetic location: 3p21.1.
Variant type: Deletion.
Coding change: c.1966_1967del on transcript NM_004656.4 (MANE Select); coding-DNA positions 1966 to 1967, 2 bases deleted (AA; older notation c.1966_1967delAA).
Protein change: p.Lys656fs; shifts the reading frame from lysine 656.
Molecular consequence: frameshift variant.
Genome position (GRCh38, 1-based): chr3:52,402,795-52,402,796, TT deleted on the plus strand (AA on the coding strand, the reverse complement: BAP1 is on the minus strand). VCF-style (leftmost placement, unchanged base first): chr3-52402794-CTT-C. GRCh37 (hg19) VCF-style: chr3-52436810-CTT-C.
Other names: c.1912_1913del, p.Lys638fs (NM_001410772.1); short protein forms K638fs, K656fs.
Identifiers: ClinVar variation 3260394 (VCV003260394.1).